The following is an entry in ClinVar:

NM_001369.3(DNAH5):c.2986A>G (p.Ser996Gly)

Genes: DNAH5 (dynein axonemal heavy chain 5; minus strand), DNAH5-AS1 (DNAH5 antisense RNA 1; plus strand). Cytogenetic location: 5p15.2.
Variant type: single nucleotide variant.
Coding change: c.2986A>G on transcript NM_001369.3 (MANE Select); coding-DNA position 2986, A replaced by G.
Protein change: p.Ser996Gly; replaces serine 996 with glycine.
Molecular consequence: missense variant.
Genome position (GRCh38, 1-based): chr5:13,883,092, T>C on the plus strand (A>G on the coding strand, the complement: DNAH5 is on the minus strand). VCF-style: chr5-13883092-T-C. GRCh37 (hg19) VCF-style: chr5-13883201-T-C.
Other names: p.Ser996Gly; short protein forms S996G.
Identifiers: ClinVar variation 3841165 (VCV003841165.2).

ClinVar aggregate classification (germline): Conflicting classifications of pathogenicity. Review status: criteria provided, conflicting classifications (1 of 4 stars). 2 submissions from 2 submitters: Uncertain significance (1); Likely benign (1). Last evaluated 2025-09-23.

Conditions:
Primary ciliary dyskinesia. Also called: Ciliary dyskinesia. Identifiers: Orphanet 244, MedGen C0008780, MONDO:0016575, HP:0012265.

gnomAD v4.1: 2 of 1,613,822 alleles (0.00012%); highest among the groups gnomAD compares: Non-Finnish European, 0.00017%; no homozygotes.

Submissions (2):

Mayo Clinic Laboratories, Mayo Clinic
Classification: Uncertain significance. Last evaluated: 2025-09-23. Review status: criteria provided, single submitter. Criteria: ACMG Guidelines, 2015. Collection method: clinical testing. Allele origin: germline. Observed: 1 variant allele.
Comment: BP4_moderate, PM2_supporting

Ambry Genetics
Classification: Likely benign for Primary ciliary dyskinesia. Last evaluated: 2025-03-25. Review status: criteria provided, single submitter. Criteria: Ambry Variant Classification Scheme 2023. Collection method: clinical testing. Allele origin: germline.